The following is an entry in ClinVar:

NM_001972.4(ELANE):c.367-1G>C

Gene: ELANE (elastase, neutrophil expressed; plus strand). Cytogenetic location: 19p13.3.
Variant type: single nucleotide variant.
Coding change: c.367-1G>C on transcript NM_001972.4 (MANE Select); the canonical splice acceptor site of the intron before coding-DNA position 367, G replaced by C.
Molecular consequence: splice acceptor variant.
Genome position (GRCh38, 1-based): chr19:855,563, G>C. VCF-style: chr19-855563-G-C. GRCh37 (hg19) VCF-style: chr19-855563-G-C.
Identifiers: ClinVar variation 638881 (VCV000638881.11), dbSNP rs1442062349, ClinGen allele CA402917683.

ClinVar aggregate classification (germline): Likely pathogenic (1 of 4 stars; one submission).

Conditions:
Cyclical neutropenia. Also called: Cyclic Neutropenia; Cyclic hematopoiesis. Identifiers: Orphanet 2686, MedGen C0221023, MONDO:0008090, OMIM 162800, HP:0040289. Disease mechanism: loss of function.
Neutropenia, severe congenital, 1, autosomal dominant. Identifiers: MedGen C1859966, MONDO:0042490, OMIM 202700.

Submission:

Labcorp Genetics (formerly Invitae), Labcorp
Classification: Likely pathogenic for Neutropenia, severe congenital, 1, autosomal dominant; Cyclical neutropenia. Last evaluated: 2025-01-15. Review status: criteria provided, single submitter. Criteria: Invitae Variant Classification Sherloc (09022015). Collection method: clinical testing. Allele origin: germline.
Comment: This sequence change affects an acceptor splice site in intron 3 of the ELANE gene. It is expected to disrupt RNA splicing. Variants that disrupt the donor or acceptor splice site typically lead to a loss of protein function (PMID: 16199547), however the current clinical and genetic evidence is not sufficient to establish whether loss-of-function variants in ELANE cause disease. This variant is not present in population databases (gnomAD no frequency). Disruption of this splice site has been observed in individuals with cyclic neutropenia and/or severe congenital neutropenia (PMID: 22624626, 23463630, 25427142; internal data). ClinVar contains an entry for this variant (Variation ID: 638881). Algorithms developed to predict the effect of sequence changes on RNA splicing suggest that this variant may disrupt the consensus splice site. In summary, the currently available evidence indicates that the variant is pathogenic, but additional data are needed to prove that conclusively. Therefore, this variant has been classified as Likely Pathogenic.

Literature cited by the submitters: PubMed 16199547; PubMed 22624626; PubMed 23463630; PubMed 25427142.